The following is an entry in ClinVar:

NM_004370.6(COL12A1):c.6718G>A (p.Ala2240Thr)

Gene: COL12A1 (collagen type XII alpha 1 chain; minus strand). Cytogenetic location: 6q13.
Variant type: single nucleotide variant.
Coding change: c.6718G>A on transcript NM_004370.6 (MANE Select); coding-DNA position 6718, G replaced by A.
Protein change: p.Ala2240Thr; replaces alanine 2240 with threonine.
Molecular consequence: missense variant.
Genome position (GRCh38, 1-based): chr6:75,124,261, C>T on the plus strand (G>A on the coding strand, the complement: COL12A1 is on the minus strand). VCF-style: chr6-75124261-C-T. GRCh37 (hg19) VCF-style: chr6-75833977-C-T.
Other names: c.3226G>A, p.Ala1076Thr (NM_080645.3); short protein forms A1076T, A2240T.
Identifiers: ClinVar variation 641970 (VCV000641970.15), dbSNP rs199654252, ClinGen allele CA3892753.

ClinVar aggregate classification (germline): Conflicting classifications of pathogenicity. Review status: criteria provided, conflicting classifications (1 of 4 stars). 4 submissions from 4 submitters: Uncertain significance (3); Likely benign (1). Last evaluated 2025-11-05.

Conditions:
Ullrich congenital muscular dystrophy 2 (UCMD2). Identifiers: Orphanet 75840, MedGen C4225314, MONDO:0014654, OMIM 616470.
Bethlem myopathy 2 (BTHLM2). Identifiers: Orphanet 536516, Orphanet 610, MedGen C4225313, MONDO:0034022, OMIM 616471.

Allele frequency attached by ClinVar (database versions not stated): 1000 Genomes Project 30x 0.00031; ExAC 0.00011; gnomAD exomes 0.00004 and 0.00010; gnomAD 0.00015 and 0.00017; TOPMed 0.00029; 1000 Genomes Project 0.00040.
gnomAD v4.1: 93 of 1,612,964 alleles (0.0058%); highest among the groups gnomAD compares: Admixed American, 0.047%; no homozygotes.

Submissions (4):

GeneDx
Classification: Uncertain significance. Last evaluated: 2025-11-05. Review status: criteria provided, single submitter. Criteria: GeneDx Variant Classification Process June 2021. Collection method: clinical testing. Allele origin: germline. Affected: yes.
Comment: In silico analysis suggests that this missense variant does not alter protein structure/function; Has not been previously published as pathogenic or benign to our knowledge

Labcorp Genetics (formerly Invitae), Labcorp
Classification: Likely benign for Bethlem myopathy 2; Ullrich congenital muscular dystrophy 2. Last evaluated: 2025-08-13. Review status: criteria provided, single submitter. Criteria: Invitae Variant Classification Sherloc (09022015). Collection method: clinical testing. Allele origin: germline.

Women's Health and Genetics/Laboratory Corporation of America, LabCorp
Classification: Uncertain significance. Last evaluated: 2025-06-27. Review status: criteria provided, single submitter. Criteria: LabCorp Variant Classification Summary - May 2015. Collection method: clinical testing. Allele origin: germline.
Comment: Variant summary: COL12A1 c.6718G>A (p.Ala2240Thr) results in a non-conservative amino acid change located in the Fibronectin type 3 domain (IPR003961) of the encoded protein sequence. Algorithms developed to predict the effect of missense changes on protein structure and function are either unavailable or do not agree on the potential impact of this missense change. The variant allele was found at a frequency of 0.0001 in 248674 control chromosomes. This frequency is not significantly higher than estimated for a pathogenic variant in COL12A1 causing Ullrich congenital muscular dystrophy 2 (0.0001 vs 0.0035), allowing no conclusion about variant significance. To our knowledge, no occurrence of c.6718G>A in individuals affected with Ullrich congenital muscular dystrophy 2 and no experimental evidence demonstrating its impact on protein function have been reported. ClinVar contains an entry for this variant (Variation ID: 641970). Based on the evidence outlined above, the variant was classified as uncertain significance.

Breakthrough Genomics
Classification: Uncertain significance. Review status: criteria provided, single submitter. Criteria: ACMG Guidelines, 2015. Collection method: not provided. Allele origin: germline. Inheritance: Autosomal recessive inheritance. Affected: yes.